The following is an entry in ClinVar:

NM_032447.5(FBN3):c.6941G>A (p.Ser2314Asn)

Gene: FBN3 (fibrillin 3; minus strand). Cytogenetic location: 19p13.2.
Variant type: single nucleotide variant.
Coding change: c.6941G>A on transcript NM_032447.5 (MANE Select); coding-DNA position 6941, G replaced by A.
Protein change: p.Ser2314Asn; replaces serine 2314 with asparagine.
Molecular consequence: missense variant.
Genome position (GRCh38, 1-based): chr19:8,085,509, C>T on the plus strand (G>A on the coding strand, the complement: FBN3 is on the minus strand). VCF-style: chr19-8085509-C-T. GRCh37 (hg19) VCF-style: chr19-8150393-C-T.
Other names: c.6941G>A (NM_001321431.1); c.6941G>A, p.Ser2314Asn (NM_001321431.2); short protein forms S2314N.
Identifiers: ClinVar variation 1601594 (VCV001601594.11), dbSNP rs17160151, ClinGen allele CA9151046.

ClinVar aggregate classification (germline): Benign. Review status: criteria provided, multiple submitters, no conflicts (2 of 4 stars). 3 submissions from 3 submitters: Benign (2). 1 of the submissions does not count toward it. Last evaluated 2026-02-02.

Conditions:
FBN3-related disorder. Also called: FBN3-related condition.

Allele frequency attached by ClinVar (database versions not stated): TOPMed 0.07802; gnomAD exomes 0.00714 and 0.01756; 1000 Genomes Project 0.06969; gnomAD 0.06897 and 0.07434; ExAC 0.04409; 1000 Genomes Project 30x 0.07448; ESP Exome Variant Server 0.07845.
gnomAD v4.1: 21,289 of 1,594,920 alleles (1.3%); highest among the groups gnomAD compares: African/African-American, 24%; 2,297 homozygotes.

Submissions (3):

Labcorp Genetics (formerly Invitae), Labcorp
Classification: Benign. Last evaluated: 2026-02-02. Review status: criteria provided, single submitter. Criteria: Invitae Variant Classification Sherloc (09022015). Collection method: clinical testing. Allele origin: germline.

Breakthrough Genomics
Classification: Benign. Review status: criteria provided, single submitter. Criteria: ACMG Guidelines, 2015. Collection method: not provided. Allele origin: germline. Inheritance: Unknown mechanism. Affected: yes.

PreventionGenetics, part of Exact Sciences
Classification: Benign for FBN3-related condition. Last evaluated: 2019-04-04. Review status: no assertion criteria provided. Collection method: clinical testing. Allele origin: germline. Not counted in ClinVar's aggregate classification.
Comment: This variant is classified as benign based on ACMG/AMP sequence variant interpretation guidelines (Richards et al. 2015 PMID: 25741868, with internal and published modifications).